The following is an entry in ClinVar:

ClinVar aggregate classification (germline): Uncertain significance. Review status: criteria provided, multiple submitters, no conflicts (2 of 4 stars). 4 submissions from 4 submitters: Uncertain significance (4). Last evaluated 2026-01-24.

Allele frequency attached by ClinVar (database versions not stated): ESP Exome Variant Server 0.00015; TOPMed 0.00024; gnomAD exomes 0.00025 and 0.00040; ExAC 0.00026; gnomAD 0.00029; 1000 Genomes Project 30x 0.00031; 1000 Genomes Project 0.00040.
gnomAD v4.1: 615 of 1,614,128 alleles (0.038%); highest among the groups gnomAD compares: Non-Finnish European, 0.051%; no homozygotes.

Submissions (4):

Labcorp Genetics (formerly Invitae), Labcorp
Classification: Uncertain significance. Last evaluated: 2026-01-24. Review status: criteria provided, single submitter. Criteria: Invitae Variant Classification Sherloc (09022015). Collection method: clinical testing. Allele origin: germline.
Comment: This sequence change replaces proline, which is neutral and non-polar, with serine, which is neutral and polar, at codon 41 of the ZNF341 protein (p.Pro41Ser). This variant is present in population databases (rs199947891, gnomAD 0.05%). This variant has not been reported in the literature in individuals affected with ZNF341-related conditions. ClinVar contains an entry for this variant (Variation ID: 1461388). An algorithm developed to predict the effect of missense changes on protein structure and function (PolyPhen-2) suggests that this variant is likely to be tolerated. In summary, the available evidence is currently insufficient to determine the role of this variant in disease. Therefore, it has been classified as a Variant of Uncertain Significance.

Blueprint Genetics
Classification: Uncertain significance. Last evaluated: 2024-11-11. Review status: criteria provided, single submitter. Criteria: ACMG Guidelines, 2015. Collection method: clinical testing. Allele origin: germline.

Ambry Genetics
Classification: Uncertain significance. Last evaluated: 2024-01-23. Review status: criteria provided, single submitter. Criteria: Ambry Variant Classification Scheme 2023. Collection method: clinical testing. Allele origin: germline.

Breakthrough Genomics
Classification: Uncertain significance. Review status: criteria provided, single submitter. Criteria: ACMG Guidelines, 2015. Collection method: not provided. Allele origin: germline. Inheritance: Autosomal dominant inheritance. Affected: yes.

NM_001282933.2(ZNF341):c.121C>T (p.Pro41Ser)

Gene: ZNF341 (zinc finger protein 341; plus strand). Cytogenetic location: 20q11.22.
Variant type: single nucleotide variant.
Coding change: c.121C>T on transcript NM_001282933.2 (MANE Select); coding-DNA position 121, C replaced by T.
Protein change: p.Pro41Ser; replaces proline 41 with serine.
Molecular consequence: missense variant. On other transcripts: synonymous variant (1), non-coding transcript variant (1).
Genome position (GRCh38, 1-based): chr20:33,740,991, C>T. VCF-style: chr20-33740991-C-T. GRCh37 (hg19) VCF-style: chr20-32328797-C-T.
Other names: c.48C>T, p.Arg16= (NM_001282935.2); c.121C>T, p.Pro41Ser (NM_032819.5); c.121C>T (NM_032819.3); short protein forms P41S.
Identifiers: ClinVar variation 1461388 (VCV001461388.7), dbSNP rs199947891, ClinGen allele CA9819063.